The following is an entry in ClinVar:

ClinVar aggregate classification (germline): Pathogenic/Likely pathogenic. Review status: criteria provided, multiple submitters, no conflicts (2 of 4 stars). 8 submissions from 8 submitters: Pathogenic (5); Likely pathogenic (1). 2 of the submissions do not count toward it. Last evaluated 2025-12-16.

Conditions:
TUBB3-related tubulinopathy. Identifiers: MedGen CN322634, MONDO:0100154.
Complex cortical dysplasia with other brain malformations 1. Identifiers: Orphanet 300570, MedGen C3808397, MONDO:0013541, OMIM 614039.
Fibrosis of extraocular muscles, congenital, 3A, with or without extraocular involvement. Also called: CONGENITAL FIBROSIS OF EXTRAOCULAR MUSCLES 3A; FEOM3 LOCUS. Identifiers: MedGen C2748801, MONDO:0010912, OMIM 600638.

Submissions (8):

Institute of Medical Genetics and Applied Genomics, University Hospital Tübingen
Classification: Pathogenic for Fibrosis of extraocular muscles, congenital, 3A, with or without extraocular involvement. Last evaluated: 2025-12-16. Review status: criteria provided, single submitter. Criteria: ACMG Guidelines, 2015. Collection method: clinical testing. Allele origin: germline. Inheritance: Autosomal dominant inheritance. Affected: yes.

Dasa
Classification: Pathogenic. Last evaluated: 2025-11-09. Review status: criteria provided, single submitter. Criteria: DASA Assertion Criteria. Collection method: clinical testing. Allele origin: germline.
Comment: NM_006086.4(TUBB3):c.1249G>A (p.Asp417Asn) is a missense variant that results in the substitution of aspartic acid with asparagine. De novo occurrence has been reported in an individual with related phenotype. Segregation evidence has been reported in affected families. Functional evidence supports a deleterious effect on the gene or gene product (PMID: 29382549; PMID: 20074521; PMID: 24257358; PMID: 39148141; PMID: 39033378). This variant has been recurrently observed in individuals with related phenotype (PMID: 29382549; PMID: 20074521; PMID: 24257358; PMID: 39148141; PMID: 39033378). The variant is present at low frequency in population datasets. Based on the available data, this variant is classified as pathogenic.

Variantyx, Inc.
Classification: Likely pathogenic for Fibrosis of extraocular muscles, congenital, 3A, with or without extraocular involvement. Last evaluated: 2025-09-11. Review status: criteria provided, single submitter. Criteria: Variantyx Assertion Criteria 2022. Collection method: clinical testing. Allele origin: germline. Inheritance: Autosomal dominant inheritance. Affected: yes.
Comment: This is a nonsynonymous variant in the TUBB3 gene (OMIM: 602661). Pathogenic variants in this gene have been associated with autosomal dominant congenital fibrosis of extraocular muscles 3A. This variant has been reported in at least 5 unrelated affected individuals (PMID: 20074521) (PS4_Moderate) and it has been observed to segregate with disease in at least 10 individuals from 5 families (PMID: 20074521, 24257358) (PP1). omputational algorithms produce conflicting evidence regarding the predicted functional impact of this variant (REVEL score: 0.472), but functional studies have shown that this variant alters TUBB3 protein function (PMID: 29382549, 20074521) (PS3_Moderate). This variant is absent from control populations (PM2). Inter- and intrafamilial clinical variability has been described with genotype-phenotype correlation studies showing that individuals with with the p.Asp417Asn variant had peripheral neuropathy and hypoplasia of the corpus callosum (PMID: 20074521, 10393037). Based on the current evidence, this variant is classified as likely pathogenic for autosomal dominant congenital fibrosis of extraocular muscles 3A.

Women's Health and Genetics/Laboratory Corporation of America, LabCorp
Classification: Pathogenic for Complex cortical dysplasia with other brain malformations 1. Last evaluated: 2024-05-10. Review status: criteria provided, single submitter. Criteria: LabCorp Variant Classification Summary - May 2015. Collection method: clinical testing. Allele origin: germline.
Comment: Variant summary: TUBB3 c.1249G>A (p.Asp417Asn) results in a conservative amino acid change in the encoded protein sequence. Four of five in-silico tools predict a damaging effect of the variant on protein function. The variant was absent in 251228 control chromosomes. c.1249G>A has been reported in the literature in multiple individuals affected with Cortical Dysplasia, Complex, With Other Brain Malformations 1 (example, Tischfield_ 2010). These data indicate that the variant is very likely to be associated with disease. At least one publication reports experimental evidence evaluating an impact on protein function. The most pronounced variant effect results in <10% of normal funciton (Huang_2018, Tischfield_ 2010). The following publications have been ascertained in the context of this evaluation (PMID: 29382549, 20074521). ClinVar contains an entry for this variant (Variation ID: 6966). Based on the evidence outlined above, the variant was classified as pathogenic.

Broad Center for Mendelian Genomics, Broad Institute of MIT and Harvard
Classification: Pathogenic for TUBB3-related tubulinopathy. Last evaluated: 2024-03-12. Review status: criteria provided, single submitter. Criteria: ACMG Guidelines, 2015. Collection method: curation. Allele origin: germline. Inheritance: Autosomal dominant inheritance.
Comment: The p.Asp417Asn variant in TUBB3 has been previously reported in at least 7 unrelated individuals with congenital fibrosis of extraocular muscles 3A with or without extraocular involvement (PMID: 24257358, PMID: 25482575, PMID: 20074521, PMID: 34418069) and segregated with disease in 17 affected relatives from 4 families (PMID: 24257358, PMID: 25482575, PMID: 20074521). The number of reported affected individuals with this variant is greater than expected compared to non-affected individuals with this variant. This variant was found to be de novo in one individual with confirmed paternity and maternity (PMID: 20074521). This variant has also been reported in ClinVar (Variation ID: 6966) and has been interpreted as pathogenic by Invitae and OMIM. This variant was absent from large population studies. The number of missense variants reported in TUBB3 in the general population is lower than expected, suggesting there is little benign variation in this gene and slightly increasing the possibility that a missense variant in this gene may not be tolerated. The p.Asp417 variant is located in a region of TUBB3 that is essential to interactions with other motor proteins, suggesting that this variant is in a functional domain and slightly supports pathogenicity (PMID: 20074521). One additional likely pathogenic variant, resulting in a different amino acid change at the same position, p.Asp417His, has been reported in association with disease in the literature and in ClinVar, slightly supporting that a change at this position may not be tolerated (PMID: 20301522, Variation ID: 6965). In vitro functional studies provide some evidence that the p.Asp417Asn variant may impact protein function (PMID:31226147, PMID: 29382549). However, these types of assays may not accurately represent biological function. Computational prediction tools and conservation analyses do not provide strong support for or against an impact to the protein. In summary, this variant meets criteria to be classified as pathogenic for autosomal dominant congenital fibrosis of extraocular muscles 3A with or without extraocular involvement. ACMG/AMP Criteria applied: PS2_Supporting, PS3_Supporting, PS4, PM1_Supporting, PM2_Supporting, PM5_Supporting, PM6_Supporting, PP1_Strong (Richards 2015).

Labcorp Genetics (formerly Invitae), Labcorp
Classification: Pathogenic. Last evaluated: 2021-07-03. Review status: criteria provided, single submitter. Criteria: Invitae Variant Classification Sherloc (09022015). Collection method: clinical testing. Allele origin: germline.
Comment: This variant has been observed in individual(s) with axonal peripheral neuropathy and/or congenital fibrosis of the extraocular muscles (PMID: 24257358, 25482575). It has also been observed to segregate with disease in related individuals. For these reasons, this variant has been classified as Pathogenic. Algorithms developed to predict the effect of missense changes on protein structure and function are either unavailable or do not agree on the potential impact of this missense change (SIFT: "Deleterious"; PolyPhen-2: "Possibly Damaging"; Align-GVGD: "Class C15"). ClinVar contains an entry for this variant (Variation ID: 6966). This variant is not present in population databases (ExAC no frequency). This sequence change replaces aspartic acid with asparagine at codon 417 of the TUBB3 protein (p.Asp417Asn). The aspartic acid residue is highly conserved and there is a small physicochemical difference between aspartic acid and asparagine.

OMIM
Classification: Pathogenic for CONGENITAL FIBROSIS OF EXTRAOCULAR MUSCLES 3A. Last evaluated: 2010-01-08. Review status: no assertion criteria provided. Collection method: literature only. Allele origin: germline. Not counted in ClinVar's aggregate classification.

GeneReviews
No classification provided. Condition: Fibrosis of extraocular muscles, congenital, 3A, with or without extraocular involvement. Review status: no classification provided. Collection method: literature only. Allele origin: germline. Not counted in ClinVar's aggregate classification.

Literature cited by the submitters: PubMed 29382549 (cited by 3 submitters); PubMed 20074521 (cited by 5 submitters); PubMed 24257358 (cited by 3 submitters); PubMed 39148141 (cited by Dasa); PubMed 39033378 (cited by Dasa and Broad Center for Mendelian Genomics, Broad Institute of MIT and Harvard); PubMed 25482575 (cited by Dasa and Labcorp Genetics (formerly Invitae), Labcorp); PubMed 31226147 (cited by Dasa); PubMed 26639658 (cited by Dasa); PubMed 2133536 (cited by OMIM); PubMed 20301522 (cited by GeneReviews).

NM_006086.4(TUBB3):c.1249G>A (p.Asp417Asn)

Gene: TUBB3 (tubulin beta 3 class III; plus strand). Cytogenetic location: 16q24.3.
Variant type: single nucleotide variant.
Coding change: c.1249G>A on transcript NM_006086.4 (MANE Select); coding-DNA position 1249, G replaced by A.
Protein change: p.Asp417Asn; replaces aspartic acid 417 with asparagine.
Molecular consequence: missense variant.
Genome position (GRCh38, 1-based): chr16:89,935,700, G>A. VCF-style: chr16-89935700-G-A. GRCh37 (hg19) VCF-style: chr16-90002108-G-A.
Other names: NM_006086.4(TUBB3):c.1249G>A; c.1033G>A, p.Asp345Asn (NM_001197181.2); short protein forms D417N, D345N.
Identifiers: ClinVar variation 6966 (VCV000006966.16), dbSNP rs267607164, ClinGen allele CA340624.